The following is an entry in ClinVar:

ClinVar aggregate classification (germline): Uncertain significance. Review status: criteria provided, multiple submitters, no conflicts (2 of 4 stars). 2 submissions from 2 submitters: Uncertain significance (2). Last evaluated 2022-10-12.

Conditions:
Hereditary spastic paraplegia 54. Also called: Spastic paraplegia 54, autosomal recessive. Identifiers: Orphanet 320380, MedGen C3539495, MONDO:0014018, OMIM 615033.
Inborn genetic diseases. Identifiers: MedGen C0950123, MeSH D030342.

Allele frequency attached by ClinVar (database versions not stated): ExAC 0.00007; ESP Exome Variant Server 0.00008; gnomAD 0.00011; TOPMed 0.00013.
gnomAD v4.1: 47 of 1,614,090 alleles (0.0029%); highest among the groups gnomAD compares: African/African-American, 0.053%; no homozygotes.

Submissions (2):

Ambry Genetics
Classification: Uncertain significance for Inborn genetic diseases. Last evaluated: 2022-10-12. Review status: criteria provided, single submitter. Criteria: Ambry Variant Classification Scheme 2023. Collection method: clinical testing. Allele origin: germline.

Labcorp Genetics (formerly Invitae), Labcorp
Classification: Uncertain significance for Hereditary spastic paraplegia 54. Last evaluated: 2022-06-29. Review status: criteria provided, single submitter. Criteria: Invitae Variant Classification Sherloc (09022015). Collection method: clinical testing. Allele origin: germline.
Comment: This sequence change replaces glutamic acid, which is acidic and polar, with lysine, which is basic and polar, at codon 468 of the DDHD2 protein (p.Glu468Lys). In summary, the available evidence is currently insufficient to determine the role of this variant in disease. Therefore, it has been classified as a Variant of Uncertain Significance. Algorithms developed to predict the effect of missense changes on protein structure and function output the following: SIFT: "Tolerated"; PolyPhen-2: "Benign"; Align-GVGD: "Class C0". The lysine amino acid residue is found in multiple mammalian species, which suggests that this missense change does not adversely affect protein function. This variant has not been reported in the literature in individuals affected with DDHD2-related conditions. This variant is present in population databases (rs369110748, gnomAD 0.05%).

NM_015214.3(DDHD2):c.1402G>A (p.Glu468Lys)

Gene: DDHD2 (DDHD domain containing 2; plus strand). Cytogenetic location: 8p11.23.
Variant type: single nucleotide variant.
Coding change: c.1402G>A on transcript NM_015214.3 (MANE Select); coding-DNA position 1402, G replaced by A.
Protein change: p.Glu468Lys; replaces glutamic acid 468 with lysine.
Molecular consequence: missense variant. On other transcripts: non-coding transcript variant (2).
Genome position (GRCh38, 1-based): chr8:38,251,969, G>A. VCF-style: chr8-38251969-G-A. GRCh37 (hg19) VCF-style: chr8-38109487-G-A.
Other names: c.1402G>A, p.Glu468Lys (NM_001164232.2, NM_001362911.2, NM_001362912.2 and 1 more transcripts); c.1312G>A, p.Glu438Lys (NM_001362913.2); c.1402G>A (NM_015214.2); short protein forms E438K, E468K.
Identifiers: ClinVar variation 2318381 (VCV002318381.5), dbSNP rs369110748, ClinGen allele CA4716258.
Genomic context (GRCh38, chr8:38,251,969, plus strand): 5'-TAGGGTATTAAGAGACCAGCCCCGCAGCCTGCTTCAGGGGCAAACATCCCCAAAGAATCT[G>A]AGTTCTGCAGTAGCAGTAATACTAGAAATGGTGACTATCTGGATGTTGGCATTGGGCAGG-3'
Protein context (NP_056029.2, residues 458-478): ASGANIPKES[Glu468Lys]FCSSSNTRNG